The following is an entry in ClinVar:

ClinVar aggregate classification (germline): Uncertain significance (1 of 4 stars; one submission).

Conditions:
Early-infantile DEE. Also called: Ohtahara syndrome; Early infantile epileptic encephalopathy; Early infantile epileptic encephalopathy with suppression bursts. Identifiers: Orphanet 1934, MedGen C0393706, MONDO:0800491.

Allele frequency attached by ClinVar (database versions not stated): TOPMed below 0.00001.

Submission:

Labcorp Genetics (formerly Invitae), Labcorp
Classification: Uncertain significance for Early-infantile DEE. Last evaluated: 2023-09-11. Review status: criteria provided, single submitter. Criteria: Invitae Variant Classification Sherloc (09022015). Collection method: clinical testing. Allele origin: germline.
Comment: ClinVar contains an entry for this variant (Variation ID: 1902082). This sequence change replaces glutamine, which is neutral and polar, with lysine, which is basic and polar, at codon 462 of the SPTAN1 protein (p.Gln462Lys). This variant is not present in population databases (gnomAD no frequency). This variant has not been reported in the literature in individuals affected with SPTAN1-related conditions. Advanced modeling of protein sequence and biophysical properties (such as structural, functional, and spatial information, amino acid conservation, physicochemical variation, residue mobility, and thermodynamic stability) has been performed at Invitae for this missense variant, however the output from this modeling did not meet the statistical confidence thresholds required to predict the impact of this variant on SPTAN1 protein function. In summary, the available evidence is currently insufficient to determine the role of this variant in disease. Therefore, it has been classified as a Variant of Uncertain Significance.

NM_001130438.3(SPTAN1):c.1384C>A (p.Gln462Lys)

Gene: SPTAN1 (spectrin alpha, non-erythrocytic 1; plus strand). Cytogenetic location: 9q34.11.
Variant type: single nucleotide variant.
Coding change: c.1384C>A on transcript NM_001130438.3 (MANE Select); coding-DNA position 1384, C replaced by A.
Protein change: p.Gln462Lys; replaces glutamine 462 with lysine.
Molecular consequence: missense variant.
Genome position (GRCh38, 1-based): chr9:128,580,982, C>A. VCF-style: chr9-128580982-C-A. GRCh37 (hg19) VCF-style: chr9-131343261-C-A.
Other names: c.1384C>A, p.Gln462Lys (NM_001195532.2, NM_001363759.2, NM_001363765.2 and 5 more transcripts); c.1420C>A, p.Gln474Lys (NM_001375312.2, NM_001375318.1); short protein forms Q474K, Q462K.
Identifiers: ClinVar variation 1902082 (VCV001902082.5), dbSNP rs1851872702, ClinGen allele CA375053507.